The following is an entry in ClinVar:

ClinVar aggregate classification (germline): Uncertain significance. Review status: criteria provided, multiple submitters, no conflicts (2 of 4 stars). 2 submissions from 2 submitters: Uncertain significance (2). Last evaluated 2024-04-29.

Conditions:
BAP1-related tumor predisposition syndrome (TPDS1). Also called: TUMOR PREDISPOSITION SYNDROME 1; BAP1 tumor predisposition syndrome; COMMON Syndrome; Tumor susceptibility linked to germline BAP1 mutations. Identifiers: Orphanet 289539, MedGen C3280492, MONDO:0013692, OMIM 614327.
Hereditary cancer-predisposing syndrome. Also called: Neoplastic Syndromes, Hereditary; Hereditary Cancer Syndrome; Hereditary neoplastic syndrome; Tumor predisposition. Identifiers: Orphanet 140162, MedGen C0027672, MeSH D009386, MONDO:0015356.

Allele frequency attached by ClinVar (database versions not stated): gnomAD exomes below 0.00001; ExAC 0.00001.
gnomAD v4.1: 1 of 1,614,102 alleles (0.000062%); highest among the groups gnomAD compares: South Asian, 0.0011%; no homozygotes.

Submissions (2):

Labcorp Genetics (formerly Invitae), Labcorp
Classification: Uncertain significance for BAP1-related tumor predisposition syndrome. Last evaluated: 2024-04-29. Review status: criteria provided, single submitter. Criteria: Invitae Variant Classification Sherloc (09022015). Collection method: clinical testing. Allele origin: germline.
Comment: This sequence change replaces glycine, which is neutral and non-polar, with serine, which is neutral and polar, at codon 340 of the BAP1 protein (p.Gly340Ser). This variant is present in population databases (rs755950173, gnomAD 0.003%). This variant has not been reported in the literature in individuals affected with BAP1-related conditions. ClinVar contains an entry for this variant (Variation ID: 1057922). Advanced modeling of protein sequence and biophysical properties (such as structural, functional, and spatial information, amino acid conservation, physicochemical variation, residue mobility, and thermodynamic stability) performed at Invitae indicates that this missense variant is not expected to disrupt BAP1 protein function with a negative predictive value of 80%. In summary, the available evidence is currently insufficient to determine the role of this variant in disease. Therefore, it has been classified as a Variant of Uncertain Significance.

Ambry Genetics
Classification: Uncertain significance for Hereditary cancer-predisposing syndrome. Last evaluated: 2023-02-22. Review status: criteria provided, single submitter. Criteria: Ambry Variant Classification Scheme 2023. Collection method: clinical testing. Allele origin: germline.
Comment: The p.G340S variant (also known as c.1018G>A), located in coding exon 11 of the BAP1 gene, results from a G to A substitution at nucleotide position 1018. The glycine at codon 340 is replaced by serine, an amino acid with similar properties. This amino acid position is not well conserved in available vertebrate species. In addition, this alteration is predicted to be tolerated by in silico analysis. Since supporting evidence is limited at this time, the clinical significance of this alteration remains unclear.

NM_004656.4(BAP1):c.1018G>A (p.Gly340Ser)

Gene: BAP1 (BRCA1 associated deubiquitinase 1; minus strand). Cytogenetic location: 3p21.1.
Variant type: single nucleotide variant.
Coding change: c.1018G>A on transcript NM_004656.4 (MANE Select); coding-DNA position 1018, G replaced by A.
Protein change: p.Gly340Ser; replaces glycine 340 with serine.
Molecular consequence: missense variant.
Genome position (GRCh38, 1-based): chr3:52,405,208, C>T on the plus strand (G>A on the coding strand, the complement: BAP1 is on the minus strand). VCF-style: chr3-52405208-C-T. GRCh37 (hg19) VCF-style: chr3-52439224-C-T.
Other names: c.1018G>A (NM_004656.2); short protein forms G340S.
Identifiers: ClinVar variation 1057922 (VCV001057922.7), dbSNP rs755950173, ClinGen allele CA2436938.
Genomic context (GRCh38, chr3:52,405,208, plus strand): 5'-AGGCCGGCAGCCGCTGGACAATGGGAGTGGGGTTGGGGTGAACCCCATTGAGGCTGCTGC[C>T]TGGAGGCTTCACCACTAGCTTGGGTTTGTTGGGAGGGCTGTGGGATGGGGCTTGTGCGCA-3'
Protein context (NP_004647.1, residues 330-350): NKPKLVVKPP[Gly340Ser]SSLNGVHPNP